The following is an entry in ClinVar:

NM_003334.4(UBA1):c.2567A>G (p.Asn856Ser)

Gene: UBA1 (ubiquitin like modifier activating enzyme 1; plus strand). Cytogenetic location: Xp11.3.
Variant type: single nucleotide variant.
Coding change: c.2567A>G on transcript NM_003334.4 (MANE Select); coding-DNA position 2567, A replaced by G.
Protein change: p.Asn856Ser; replaces asparagine 856 with serine.
Molecular consequence: missense variant.
Genome position (GRCh38, 1-based): chrX:47,212,784, A>G. VCF-style: chrX-47212784-A-G. GRCh37 (hg19) VCF-style: chrX-47072183-A-G.
Other names: c.2567A>G, p.Asn856Ser (NM_153280.3); short protein forms N856S.
Identifiers: ClinVar variation 1380588 (VCV001380588.8), dbSNP rs374003677, ClinGen allele CA10396152.

ClinVar aggregate classification (germline): Uncertain significance (1 of 4 stars; one submission).

Conditions:
Infantile-onset X-linked spinal muscular atrophy. Also called: Spinal Muscular Atrophy, X-Linked Infantile; Spinal muscular atrophy, X-linked 2; SPINAL MUSCULAR ATROPHY, X-LINKED LETHAL INFANTILE; AMC, DISTAL, X-LINKED; ARTHROGRYPOSIS, X-LINKED, TYPE I. Identifiers: Orphanet 1145, MedGen C1844934, MONDO:0010532, OMIM 301830.

Allele frequency attached by ClinVar (database versions not stated): TOPMed below 0.00001; ExAC 0.00001; gnomAD 0.00001; gnomAD exomes 0.00001; ESP Exome Variant Server 0.00009.
gnomAD v4.1: 1 of 1,209,350 alleles (0.000083%); highest among the groups gnomAD compares: African/African-American, 0.0018%; no homozygotes.

Submission:

Labcorp Genetics (formerly Invitae), Labcorp
Classification: Uncertain significance for Infantile-onset X-linked spinal muscular atrophy. Last evaluated: 2021-02-28. Review status: criteria provided, single submitter. Criteria: Invitae Variant Classification Sherloc (09022015). Collection method: clinical testing. Allele origin: germline.
Comment: In summary, the available evidence is currently insufficient to determine the role of this variant in disease. Therefore, it has been classified as a Variant of Uncertain Significance. Algorithms developed to predict the effect of missense changes on protein structure and function (SIFT, PolyPhen-2, Align-GVGD) all suggest that this variant is likely to be disruptive, but these predictions have not been confirmed by published functional studies and their clinical significance is uncertain. This variant has not been reported in the literature in individuals with UBA1-related conditions. This variant is present in population databases (rs374003677, ExAC 0.01%). This sequence change replaces asparagine with serine at codon 856 of the UBA1 protein (p.Asn856Ser). The asparagine residue is highly conserved and there is a small physicochemical difference between asparagine and serine.